The following is an entry in ClinVar:

ClinVar aggregate classification (germline): Uncertain significance (1 of 4 stars; one submission).

Allele frequency attached by ClinVar (database versions not stated): gnomAD exomes below 0.00001.
gnomAD v4.1: 2 of 1,613,954 alleles (0.00012%); highest among the groups gnomAD compares: Middle Eastern, 0.016%; no homozygotes.

Submission:

Ambry Genetics
Classification: Uncertain significance. Last evaluated: 2023-03-17. Review status: criteria provided, single submitter. Criteria: Ambry Variant Classification Scheme 2023. Collection method: clinical testing. Allele origin: germline.
Comment: The p.A665V variant (also known as c.1994C>T), located in coding exon 10 of the PALLD gene, results from a C to T substitution at nucleotide position 1994. The alanine at codon 665 is replaced by valine, an amino acid with similar properties. This amino acid position is conserved. In addition, this alteration is predicted to be tolerated by in silico analysis. Since supporting evidence is limited at this time, the clinical significance of this alteration remains unclear.

NM_001166108.2(PALLD):c.1994C>T (p.Ala665Val)

Gene: PALLD (palladin, cytoskeletal associated protein; plus strand). Cytogenetic location: 4q32.3.
Variant type: single nucleotide variant.
Coding change: c.1994C>T on transcript NM_001166108.2 (MANE Select); coding-DNA position 1994, C replaced by T.
Protein change: p.Ala665Val; replaces alanine 665 with valine.
Molecular consequence: missense variant. On other transcripts: 5 prime UTR variant (4).
Genome position (GRCh38, 1-based): chr4:168,890,951, C>T. VCF-style: chr4-168890951-C-T. GRCh37 (hg19) VCF-style: chr4-169812102-C-T.
Other names: c.848C>T, p.Ala283Val (NM_001166109.2); c.533C>T, p.Ala178Val (NM_001166110.2); c.-128C>T (NM_001367567.1, NM_001367568.1, NM_001367569.1 and 1 more transcripts); c.1994C>T, p.Ala665Val (NM_016081.4); short protein forms A178V, A283V, A665V.
Identifiers: ClinVar variation 2563380 (VCV002563380.2), dbSNP rs2533586939, ClinGen allele CA358797116.